The following is an entry in ClinVar:

NM_000748.3(CHRNB2):c.1426G>A (p.Gly476Ser)

Gene: CHRNB2 (cholinergic receptor nicotinic beta 2 subunit; plus strand). Cytogenetic location: 1q21.3.
Variant type: single nucleotide variant.
Coding change: c.1426G>A on transcript NM_000748.3 (MANE Select); coding-DNA position 1426, G replaced by A.
Protein change: p.Gly476Ser; replaces glycine 476 with serine.
Molecular consequence: missense variant.
Genome position (GRCh38, 1-based): chr1:154,575,849, G>A. VCF-style: chr1-154575849-G-A. GRCh37 (hg19) VCF-style: chr1-154548325-G-A.
Other names: c.1426G>A (NM_000748.2); short protein forms G476S.
Identifiers: ClinVar variation 2864632 (VCV002864632.5), dbSNP rs200467784, ClinGen allele CA1130881.
Genomic context (GRCh38, chr1:154,575,849, plus strand): 5'-ATGGTGATCGACCGCCTCTTCCTCTGGATCTTTGTCTTTGTCTGTGTCTTTGGCACCATC[G>A]GCATGTTCCTGCAGCCTCTCTTCCAGAACTACACCACCACCACCTTCCTCCACTCAGACC-3'
Protein context (NP_000739.1, residues 466-486): FVFVCVFGTI[Gly476Ser]MFLQPLFQNY

ClinVar aggregate classification (germline): Uncertain significance. Review status: criteria provided, multiple submitters, no conflicts (2 of 4 stars). 2 submissions from 2 submitters: Uncertain significance (2). Last evaluated 2025-10-06.

Conditions:
Familial sleep-related hypermotor epilepsy. Also called: Autosomal Dominant Sleep-Related Hypermotor (Hyperkinetic) Epilepsy. Identifiers: Orphanet 98784, MedGen C3696898, MONDO:0000030.

Allele frequency attached by ClinVar (database versions not stated): TOPMed below 0.00001; gnomAD exomes 0.00001; ExAC 0.00002.

Submissions (2):

GeneDx
Classification: Uncertain significance. Last evaluated: 2025-10-06. Review status: criteria provided, single submitter. Criteria: GeneDx Variant Classification Process June 2021. Collection method: clinical testing. Allele origin: germline.
Comment: In silico analysis supports that this missense variant has a deleterious effect on protein structure/function; Has not been previously published as pathogenic or benign to our knowledge

Labcorp Genetics (formerly Invitae), Labcorp
Classification: Uncertain significance. Last evaluated: 2023-12-21. Review status: criteria provided, single submitter. Criteria: Invitae Variant Classification Sherloc (09022015). Collection method: clinical testing. Allele origin: germline.
Comment: This sequence change replaces glycine, which is neutral and non-polar, with serine, which is neutral and polar, at codon 476 of the CHRNB2 protein (p.Gly476Ser). This variant is present in population databases (rs200467784, gnomAD 0.006%). This variant has not been reported in the literature in individuals affected with CHRNB2-related conditions. Advanced modeling of protein sequence and biophysical properties (such as structural, functional, and spatial information, amino acid conservation, physicochemical variation, residue mobility, and thermodynamic stability) performed at Invitae indicates that this missense variant is not expected to disrupt CHRNB2 protein function with a negative predictive value of 80%. In summary, the available evidence is currently insufficient to determine the role of this variant in disease. Therefore, it has been classified as a Variant of Uncertain Significance.